The following is an entry in ClinVar:

ClinVar aggregate classification (germline): Likely benign. Review status: criteria provided, multiple submitters, no conflicts (2 of 4 stars). 3 submissions from 3 submitters: Likely benign (3). Last evaluated 2025-12-24.

Conditions:
Hereditary cancer-predisposing syndrome. Also called: Hereditary neoplastic syndrome; Hereditary Cancer Syndrome; Neoplastic Syndromes, Hereditary; Tumor predisposition. Identifiers: Orphanet 140162, MedGen C0027672, MeSH D009386, MONDO:0015356.

Submissions (3):

Labcorp Genetics (formerly Invitae), Labcorp
Classification: Likely benign. Last evaluated: 2025-12-24. Review status: criteria provided, single submitter. Criteria: Invitae Variant Classification Sherloc (09022015). Collection method: clinical testing. Allele origin: germline.

Ambry Genetics
Classification: Likely benign for Hereditary cancer-predisposing syndrome. Last evaluated: 2020-05-14. Review status: criteria provided, single submitter. Criteria: Ambry Variant Classification Scheme 2023. Collection method: clinical testing. Allele origin: germline.

GeneDx
Classification: Likely benign. Last evaluated: 2017-12-06. Review status: criteria provided, single submitter. Criteria: GeneDx Variant Classification (06012015). Collection method: clinical testing. Allele origin: germline. Affected: yes.
Comment: This variant is considered likely benign or benign based on one or more of the following criteria: it is a conservative change, it occurs at a poorly conserved position in the protein, it is predicted to be benign by multiple in silico algorithms, and/or has population frequency not consistent with disease.

NM_006231.4(POLE):c.4794T>C (p.Ser1598=)

Gene: POLE (DNA polymerase epsilon, catalytic subunit; minus strand). Cytogenetic location: 12q24.33.
Variant type: single nucleotide variant.
Coding change: c.4794T>C on transcript NM_006231.4 (MANE Select); coding-DNA position 4794, T replaced by C.
Protein change: p.Ser1598=; no amino-acid change (serine 1598 retained).
Molecular consequence: synonymous variant.
Genome position (GRCh38, 1-based): chr12:132,642,664, A>G on the plus strand (T>C on the coding strand, the complement: POLE is on the minus strand). VCF-style: chr12-132642664-A-G. GRCh37 (hg19) VCF-style: chr12-133219250-A-G.
Identifiers: ClinVar variation 506662 (VCV000506662.4), dbSNP rs1555222600, ClinGen allele CA482849049.
Genomic context (GRCh38, chr12:132,642,664, plus strand): 5'-GTTGATCTTGTCAGCCACACAGATAGGCACCAGTGGGAATTCCTCCAAGACAGGAATTTC[A>G]CTGGCCAGCCTCTTCAGCTCCCAGCTGGACTGAACAGCGATGAGTGTGGGCCCCCGGCGC-3'
Protein context (NP_006222.2, residues 1588-1608): QSSWELKRLA[Ser1598=]EIPVLEEFPL